The following is an entry in ClinVar:

NM_001104631.2(PDE4D):c.*2279G>T

Gene: PDE4D (phosphodiesterase 4D; minus strand). Cytogenetic location: 5q11.2.
Variant type: single nucleotide variant.
Coding change: c.*2279G>T on transcript NM_001104631.2 (MANE Select); 2279 bases downstream of the stop codon, G replaced by T.
Molecular consequence: 3 prime UTR variant.
Genome position (GRCh38, 1-based): chr5:58,972,385, C>A on the plus strand (G>T on the coding strand, the complement: PDE4D is on the minus strand). VCF-style: chr5-58972385-C-A. GRCh37 (hg19) VCF-style: chr5-58268212-C-A.
Other names: c.*2279G>T (NM_001165899.2, NM_001197218.2, NM_001197219.2 and 11 more transcripts).
Identifiers: ClinVar variation 353947 (VCV000353947.6), dbSNP rs12658211, ClinGen allele CA10625026.

ClinVar aggregate classification (germline): Benign. Review status: criteria provided, multiple submitters, no conflicts (2 of 4 stars). 2 submissions from 2 submitters: Benign (2). Last evaluated 2018-01-13.

Conditions:
Acrodysostosis 2 with or without hormone resistance. Also called: ACRODYSOSTOSIS 2 WITH HORMONE RESISTANCE; ACRODYSOSTOSIS 2 WITHOUT HORMONE RESISTANCE. Identifiers: Orphanet 280651, MedGen C3553250, MONDO:0013822, OMIM 614613.

Allele frequency attached by ClinVar (database versions not stated): TOPMed 0.15624; 1000 Genomes Project 0.16014; gnomAD 0.16064 and 0.16082; 1000 Genomes Project 30x 0.16443; gnomAD exomes 0.22664.
gnomAD v4.1: 24,449 of 152,412 alleles (16%); highest among the groups gnomAD compares: Admixed American, 19%; 2,064 homozygotes.

Submissions (2):

Illumina Laboratory Services, Illumina
Classification: Benign for Acrodysostosis 2 with or without hormone resistance. Last evaluated: 2018-01-13. Review status: criteria provided, single submitter. Criteria: ICSL Variant Classification Criteria 13 December 2019. Collection method: clinical testing. Allele origin: germline.
Comment: This variant was observed in the ICSL laboratory as part of a predisposition screen in an ostensibly healthy population. It had not been previously curated by ICSL or reported in the Human Gene Mutation Database (HGMD: prior to June 1st, 2018), and was therefore a candidate for classification through an automated scoring system. Utilizing variant allele frequency, disease prevalence and penetrance estimates, and inheritance mode, an automated score was calculated to assess if this variant is too frequent to cause the disease. Based on the score and internal cut-off values, a variant classified as benign is not then subjected to further curation. The score for this variant resulted in a classification of benign for this disease.

Breakthrough Genomics
Classification: Benign. Review status: criteria provided, single submitter. Criteria: ACMG Guidelines, 2015. Collection method: not provided. Allele origin: germline. Inheritance: Autosomal dominant inheritance. Affected: yes.